The following is an entry in ClinVar:

NM_001849.4(COL6A2):c.543_735+396del

Gene: COL6A2 (collagen type VI alpha 2 chain; plus strand). Cytogenetic location: 21q22.3.
Variant type: Deletion.
Coding change: c.543_735+396del on transcript NM_001849.4 (MANE Select); coding-DNA position 543 through 396 bases into the intron after coding-DNA position 735, 815 bases deleted.
Molecular consequence: splice acceptor variant, splice donor variant.
Genome position (GRCh38, 1-based): chr21:46,112,406-46,113,220, 815 bases deleted. GRCh37 (hg19): chr21:47,532,320-47,533,134.
Other names: c.543_735+396del (NM_058175.3, NM_058174.3).
Identifiers: ClinVar variation 842566 (VCV000842566.1), dbSNP rs2078415602, ClinGen allele CA916081965.

ClinVar aggregate classification (germline): Likely pathogenic (1 of 4 stars; one submission).

Conditions:
Bethlem myopathy 1A. Also called: MYOPATHY, BENIGN CONGENITAL, WITH CONTRACTURES; Bethlem Muscular Dystrophy; Bethlem myopathy 1. Identifiers: Orphanet 610, MedGen CN029274, MONDO:0024530, OMIM 158810.

Submission:

Labcorp Genetics (formerly Invitae), Labcorp
Classification: Likely pathogenic for Bethlem myopathy 1. Last evaluated: 2019-12-11. Review status: criteria provided, single submitter. Criteria: Invitae Variant Classification Sherloc (09022015). Collection method: clinical testing. Allele origin: germline.
Comment: This variant results in the deletion of exon 4 and part of exon 3 (c.542_735+395del) of the COL6A2 gene. It is expected to disrupt RNA splicing and likely results in an absent or disrupted protein product. This variant has not been reported in the literature in individuals with COL6A2-related conditions. Loss-of-function variants in COL6A2 are known to be pathogenic (PMID: 19884007, 20976770). In summary, the currently available evidence indicates that the variant is pathogenic, but additional data are needed to prove that conclusively. Therefore, this variant has been classified as Likely Pathogenic.